The following is an entry in ClinVar:

NM_005751.5(AKAP9):c.9082C>T (p.Leu3028Phe)

Gene: AKAP9 (A-kinase anchoring protein 9; plus strand). Cytogenetic location: 7q21.2.
Variant type: single nucleotide variant.
Coding change: c.9082C>T on transcript NM_005751.5 (MANE Select); coding-DNA position 9082, C replaced by T.
Protein change: p.Leu3028Phe; replaces leucine 3028 with phenylalanine.
Molecular consequence: missense variant.
Genome position (GRCh38, 1-based): chr7:92,086,285, C>T. VCF-style: chr7-92086285-C-T. GRCh37 (hg19) VCF-style: chr7-91715599-C-T.
Other names: c.3727C>T, p.Leu1243Phe (NM_001379277.1); c.9058C>T, p.Leu3020Phe (NM_147185.3); short protein forms L1243F, L3020F, L3028F.
Identifiers: ClinVar variation 1765718 (VCV001765718.4), dbSNP rs908030381, ClinGen allele CA161888826.

ClinVar aggregate classification (germline): Uncertain significance. Review status: criteria provided, multiple submitters, no conflicts (2 of 4 stars). 2 submissions from 2 submitters: Uncertain significance (2). Last evaluated 2024-11-21.

Conditions:
Cardiovascular phenotype. Identifiers: MedGen CN230736.
Long QT syndrome (LQTS). Identifiers: MedGen C0023976, MeSH D008133, MONDO:0002442. Disease mechanism: loss of function. Inheritance: Various modes of inheritance.

Allele frequency attached by ClinVar (database versions not stated): gnomAD exomes below 0.00001; gnomAD 0.00001; TOPMed 0.00002.
gnomAD v4.1: 5 of 1,614,006 alleles (0.00031%); highest among the groups gnomAD compares: Non-Finnish European, 0.00042%; no homozygotes.

Submissions (2):

Labcorp Genetics (formerly Invitae), Labcorp
Classification: Uncertain significance for Long QT syndrome. Last evaluated: 2024-11-21. Review status: criteria provided, single submitter. Criteria: Invitae Variant Classification Sherloc (09022015). Collection method: clinical testing. Allele origin: germline.
Comment: This sequence change replaces leucine, which is neutral and non-polar, with phenylalanine, which is neutral and non-polar, at codon 3028 of the AKAP9 protein (p.Leu3028Phe). This variant is not present in population databases (gnomAD no frequency). This variant has not been reported in the literature in individuals affected with AKAP9-related conditions. ClinVar contains an entry for this variant (Variation ID: 1765718). An algorithm developed to predict the effect of missense changes on protein structure and function (PolyPhen-2) suggests that this variant is likely to be disruptive. In summary, the available evidence is currently insufficient to determine the role of this variant in disease. Therefore, it has been classified as a Variant of Uncertain Significance.

Ambry Genetics
Classification: Uncertain significance for Cardiovascular phenotype. Last evaluated: 2022-08-17. Review status: criteria provided, single submitter. Criteria: Ambry Variant Classification Scheme 2023. Collection method: clinical testing. Allele origin: germline.
Comment: The p.L3028F variant (also known as c.9082C>T), located in coding exon 37 of the AKAP9 gene, results from a C to T substitution at nucleotide position 9082. The leucine at codon 3028 is replaced by phenylalanine, an amino acid with highly similar properties. This amino acid position is conserved. In addition, this alteration is predicted to be tolerated by in silico analysis. Since supporting evidence is limited at this time, the clinical significance of this alteration remains unclear.